The following is an entry in ClinVar:

NM_000498.3(CYP11B2):c.867C>T (p.Ile289=)

Genes: CYP11B2 (cytochrome P450 family 11 subfamily B member 2; minus strand), LOC106799834 (CYP11B2 recombination region; plus strand). Cytogenetic location: 8q24.3.
Variant type: single nucleotide variant.
Coding change: c.867C>T on transcript NM_000498.3 (MANE Select); coding-DNA position 867, C replaced by T.
Protein change: p.Ile289=; no amino-acid change (isoleucine 289 retained).
Molecular consequence: synonymous variant.
Genome position (GRCh38, 1-based): chr8:142,914,351, G>A on the plus strand (C>T on the coding strand, the complement: CYP11B2 is on the minus strand). VCF-style: chr8-142914351-G-A. GRCh37 (hg19) VCF-style: chr8-143995767-G-A.
Identifiers: ClinVar variation 362208 (VCV000362208.17), dbSNP rs547347545, ClinGen allele CA4906048.

ClinVar aggregate classification (germline): Benign/Likely benign. Review status: criteria provided, multiple submitters, no conflicts (2 of 4 stars). 6 submissions from 4 submitters: Benign (3); Likely benign (3). Last evaluated 2026-01-28.

Conditions:
Glucocorticoid-remediable aldosteronism. Also called: Hyperaldosteronism, familial, type I; FH I; GLUCOCORTICOID-SUPPRESSIBLE HYPERALDOSTERONISM; ACTH-DEPENDENT HYPERALDOSTERONISM SYNDROME; ALDOSTERONISM, SENSITIVE TO DEXAMETHASONE. Identifiers: Orphanet 403, MedGen C3838731, MONDO:0007080, OMIM 103900.
Corticosterone 18-monooxygenase deficiency. Also called: ALDOSTERONE DEFICIENCY DUE TO DEFECT IN STEROID 18-HYDROXYLASE; ALDOSTERONE DEFICIENCY I; CMO I DEFICIENCY; STEROID 18-HYDROXYLASE DEFICIENCY; 18 Hydroxylase deficiency; Aldosterone deficiency due to defect in 18 hydroxylase. Identifiers: Orphanet 427, MedGen C0268293, MONDO:0008751, OMIM 203400. Disease mechanism: loss of function.
Corticosterone methyloxidase type 2 deficiency. Also called: 18-OXIDASE DEFICIENCY; ALDOSTERONE DEFICIENCY DUE TO DEFICIENCY OF STEROID 18-OXIDASE; ALDOSTERONE DEFICIENCY II; CMO II DEFICIENCY; STEROID 18-OXIDASE DEFICIENCY. Identifiers: Orphanet 427, MedGen C3463917, MONDO:0012524, OMIM 610600. Disease mechanism: loss of function.

Allele frequency attached by ClinVar (database versions not stated): gnomAD 0.00001 and 0.00018; TOPMed 0.00016; gnomAD exomes 0.00024 and 0.00042; ExAC 0.00052; 1000 Genomes Project 30x 0.00141; 1000 Genomes Project 0.00160.

Submissions (6):

Labcorp Genetics (formerly Invitae), Labcorp
Classification: Benign. Last evaluated: 2026-01-28. Review status: criteria provided, single submitter. Criteria: Invitae Variant Classification Sherloc (09022015). Collection method: clinical testing. Allele origin: germline.

Blueprint Genetics
Classification: Likely benign. Last evaluated: 2024-04-09. Review status: criteria provided, single submitter. Criteria: ACMG Guidelines, 2015. Collection method: clinical testing. Allele origin: germline.

Fulgent Genetics
Classification: Benign for Corticosterone 18-monooxygenase deficiency; Corticosterone methyloxidase type 2 deficiency. Last evaluated: 2021-12-02. Review status: criteria provided, single submitter. Criteria: ACMG Guidelines, 2015. Collection method: clinical testing. Allele origin: unknown.

Illumina Laboratory Services, Illumina
Classification: Likely benign for Corticosterone methyloxidase type 2 deficiency. Last evaluated: 2018-01-13. Review status: criteria provided, single submitter. Criteria: ICSL Variant Classification Criteria 13 December 2019. Collection method: clinical testing. Allele origin: germline.
Comment: This variant was observed in the ICSL laboratory as part of a predisposition screen in an ostensibly healthy population. It had not been previously curated by ICSL or reported in the Human Gene Mutation Database (HGMD: prior to June 1st, 2018), and was therefore a candidate for classification through an automated scoring system. Utilizing variant allele frequency, disease prevalence and penetrance estimates, and inheritance mode, an automated score was calculated to assess if this variant is too frequent to cause the disease. Based on the score and internal cut-off values, a variant classified as likely benign is not then subjected to further curation. The score for this variant resulted in a classification of likely benign for this disease.

Illumina Laboratory Services, Illumina
Classification: Benign for Hyperaldosteronism, familial, type I. Last evaluated: 2018-01-13. Review status: criteria provided, single submitter. Criteria: ICSL Variant Classification Criteria 13 December 2019. Collection method: clinical testing. Allele origin: germline.
Comment: This variant was observed in the ICSL laboratory as part of a predisposition screen in an ostensibly healthy population. It had not been previously curated by ICSL or reported in the Human Gene Mutation Database (HGMD: prior to June 1st, 2018), and was therefore a candidate for classification through an automated scoring system. Utilizing variant allele frequency, disease prevalence and penetrance estimates, and inheritance mode, an automated score was calculated to assess if this variant is too frequent to cause the disease. Based on the score and internal cut-off values, a variant classified as benign is not then subjected to further curation. The score for this variant resulted in a classification of benign for this disease.

Illumina Laboratory Services, Illumina
Classification: Likely benign for Corticosterone 18-monooxygenase deficiency. Last evaluated: 2018-01-13. Review status: criteria provided, single submitter. Criteria: ICSL Variant Classification Criteria 13 December 2019. Collection method: clinical testing. Allele origin: germline.
Comment: the same text as in the submission from Illumina Laboratory Services, Illumina above.